The following is an entry in ClinVar:

NM_021922.3(FANCE):c.1254G>C (p.Glu418Asp)

Gene: FANCE (FA complementation group E; plus strand). Cytogenetic location: 6p21.31.
Variant type: single nucleotide variant.
Coding change: c.1254G>C on transcript NM_021922.3 (MANE Select); coding-DNA position 1254, G replaced by C.
Protein change: p.Glu418Asp; replaces glutamic acid 418 with aspartic acid.
Molecular consequence: missense variant.
Genome position (GRCh38, 1-based): chr6:35,459,698, G>C. VCF-style: chr6-35459698-G-C. GRCh37 (hg19) VCF-style: chr6-35427475-G-C.
Other names: c.1254G>C, p.Glu418Asp (NM_001410876.1); short protein forms E418D.
Identifiers: ClinVar variation 1720430 (VCV001720430.6), dbSNP rs1485530026, ClinGen allele CA363777055.

ClinVar aggregate classification (germline): Uncertain significance (1 of 4 stars; one submission).

Conditions:
Fanconi anemia complementation group E (FANCE). Also called: FANCE-Related Fanconi Anemia. Identifiers: Orphanet 84, MedGen C3160739, MONDO:0010953, OMIM 600901.

Submission:

Labcorp Genetics (formerly Invitae), Labcorp
Classification: Uncertain significance for Fanconi anemia complementation group E. Last evaluated: 2022-09-26. Review status: criteria provided, single submitter. Criteria: Invitae Variant Classification Sherloc (09022015). Collection method: clinical testing. Allele origin: germline.
Comment: This sequence change replaces glutamic acid, which is acidic and polar, with aspartic acid, which is acidic and polar, at codon 418 of the FANCE protein (p.Glu418Asp). This variant is not present in population databases (gnomAD no frequency). This variant has not been reported in the literature in individuals affected with FANCE-related conditions. Advanced modeling of protein sequence and biophysical properties (such as structural, functional, and spatial information, amino acid conservation, physicochemical variation, residue mobility, and thermodynamic stability) performed at Invitae indicates that this missense variant is expected to disrupt FANCE protein function. In summary, the available evidence is currently insufficient to determine the role of this variant in disease. Therefore, it has been classified as a Variant of Uncertain Significance.